The following is an entry in ClinVar:

ClinVar aggregate classification (germline): Likely benign (1 of 4 stars; one submission).

Submission:

CeGaT Center for Human Genetics Tuebingen
Classification: Likely benign. Last evaluated: 2026-03-01. Review status: criteria provided, single submitter. Criteria: CeGaT Center For Human Genetics Tuebingen Variant Classification Criteria Version 2. Collection method: clinical testing. Allele origin: germline. Affected: yes. Observed: 1 variant allele.
Comment: PLIN4: PM2:Supporting, BP4, BP7

NM_001367868.2(PLIN4):c.909C>T (p.Thr303=)

Gene: PLIN4 (perilipin 4; minus strand). Cytogenetic location: 19p13.3.
Variant type: single nucleotide variant.
Coding change: c.909C>T on transcript NM_001367868.2 (MANE Select); coding-DNA position 909, C replaced by T.
Protein change: p.Thr303=; no amino-acid change (threonine 303 retained).
Molecular consequence: synonymous variant.
Genome position (GRCh38, 1-based): chr19:4,513,051, G>A on the plus strand (C>T on the coding strand, the complement: PLIN4 is on the minus strand). VCF-style: chr19-4513051-G-A. GRCh37 (hg19) VCF-style: chr19-4513063-G-A.
Other names: c.912C>T, p.Thr304= (NM_001393888.1, NM_001393889.1); c.909C>T, p.Thr303= (NM_001393890.1, NM_001393891.1).
Identifiers: ClinVar variation 4820809 (VCV004820809.4).